The following is an entry in ClinVar:

NM_001734.5(C1S):c.910T>C (p.Trp304Arg)

Gene: C1S (complement C1s; plus strand). Cytogenetic location: 12p13.31.
Variant type: single nucleotide variant.
Coding change: c.910T>C on transcript NM_001734.5 (MANE Select); coding-DNA position 910, T replaced by C.
Protein change: p.Trp304Arg; replaces tryptophan 304 with arginine.
Molecular consequence: missense variant.
Genome position (GRCh38, 1-based): chr12:7,066,556, T>C. VCF-style: chr12-7066556-T-C. GRCh37 (hg19) VCF-style: chr12-7173860-T-C.
Other names: c.409T>C, p.Trp137Arg (NM_001346850.2); c.910T>C, p.Trp304Arg (NM_201442.4); c.910T>C (NM_201442.2); short protein forms W304R, W137R.
Identifiers: ClinVar variation 1510319 (VCV001510319.8), dbSNP rs199728575, ClinGen allele CA6423617.

ClinVar aggregate classification (germline): Uncertain significance. Review status: criteria provided, multiple submitters, no conflicts (2 of 4 stars). 3 submissions from 3 submitters: Uncertain significance (3). Last evaluated 2025-12-24.

Conditions:
Inborn genetic diseases. Identifiers: MedGen C0950123, MeSH D030342.

Allele frequency attached by ClinVar (database versions not stated): gnomAD 0.00001 and 0.00002; TOPMed 0.00001; gnomAD exomes 0.00003 and 0.00006; ExAC 0.00006.
gnomAD v4.1: 55 of 1,613,818 alleles (0.0034%); highest among the groups gnomAD compares: Admixed American, 0.005%; 1 homozygote.

Submissions (3):

Labcorp Genetics (formerly Invitae), Labcorp
Classification: Uncertain significance. Last evaluated: 2025-12-24. Review status: criteria provided, single submitter. Criteria: Invitae Variant Classification Sherloc (09022015). Collection method: clinical testing. Allele origin: germline.
Comment: This sequence change replaces tryptophan, which is neutral and slightly polar, with arginine, which is basic and polar, at codon 304 of the C1S protein (p.Trp304Arg). This variant is present in population databases (rs199728575, gnomAD 0.04%). This variant has not been reported in the literature in individuals affected with C1S-related conditions. ClinVar contains an entry for this variant (Variation ID: 1510319). An algorithm developed to predict the effect of missense changes on protein structure and function outputs the following: PolyPhen-2: "Possibly Damaging". The arginine amino acid residue is found in multiple mammalian species, which suggests that this missense change does not adversely affect protein function. In summary, the available evidence is currently insufficient to determine the role of this variant in disease. Therefore, it has been classified as a Variant of Uncertain Significance.

Women's Health and Genetics/Laboratory Corporation of America, LabCorp
Classification: Uncertain significance. Last evaluated: 2025-10-01. Review status: criteria provided, single submitter. Criteria: LabCorp Variant Classification Summary - May 2015. Collection method: clinical testing. Allele origin: germline.
Comment: Variant summary: C1S c.910T>C (p.Trp304Arg) results in a non-conservative amino acid change in the encoded protein sequence. Algorithms developed to predict the effect of missense changes on protein structure and function are either unavailable or do not agree on the potential impact of this missense change. The variant allele was found at a frequency of 5.6e-05 in 251474 control chromosomes. This frequency is not significantly higher than estimated for disease-causing variants in C1S, allowing no conclusion about variant significance. To our knowledge, no occurrence of c.910T>C in individuals affected with C1S-related conditions and no experimental evidence demonstrating its impact on protein function have been reported. ClinVar contains an entry for this variant (Variation ID: 1510319). Based on the evidence outlined above, the variant was classified as uncertain significance.

Ambry Genetics
Classification: Uncertain significance for Inborn genetic diseases. Last evaluated: 2023-05-24. Review status: criteria provided, single submitter. Criteria: Ambry Variant Classification Scheme 2023. Collection method: clinical testing. Allele origin: germline.